The following is an entry in ClinVar:

NM_000330.4(RS1):c.326+1231G>A

Genes: CDKL5 (cyclin dependent kinase like 5; plus strand), RS1 (retinoschisin 1; minus strand). Cytogenetic location: Xp22.13.
Variant type: single nucleotide variant.
Coding change: c.326+1231G>A on transcript NM_000330.4 (MANE Select); 1231 bases into the intron after coding-DNA position 326, G replaced by A.
Molecular consequence: intron variant.
Genome position (GRCh38, 1-based): chrX:18,645,960, C>T on the plus strand (G>A on the coding strand, the complement: RS1 is on the minus strand). VCF-style: chrX-18645960-C-T. GRCh37 (hg19) VCF-style: chrX-18664080-C-T.
Other names: c.2714-47C>T (NM_003159.3, NM_001037343.2).
Identifiers: ClinVar variation 189603 (VCV000189603.5), dbSNP rs786204995, ClinGen allele CA199424.

ClinVar aggregate classification (germline): Uncertain significance. Review status: criteria provided, single submitter (1 of 4 stars). 2 submissions from 2 submitters: Uncertain significance (1). 1 of the submissions does not count toward it. Last evaluated 2024-07-12.

Conditions:
CDKL5 disorder. Identifiers: MedGen CN296942, MONDO:0100039.
Atypical Rett syndrome. Also called: Rett like syndrome; Variant Rett Syndrome. Identifiers: Orphanet 3095, MedGen C2748910, MONDO:0017746.

Submissions (2):

Centre for Population Genomics, CPG
Classification: Uncertain significance for CDKL5 disorder. Last evaluated: 2024-07-12. Review status: criteria provided, single submitter. Criteria: McKnight et al. (Hum Mutat. 2022). Collection method: curation. Allele origin: germline. Inheritance: X-linked inheritance.
Comment: This variant has been collected from RettBASE and curated to current modified ACMG/AMP criteria. Based on the classification scheme defined by the ClinGen Rett/Angelman-like Expert Panel for Rett/AS-like Disorders Specifications to the ACMG/AMP Variant Interpretation Guidelines VCEP 3.0, this variant is classified as a variant of uncertain significance. At least the following criteria are met: Synonymous or intronic variant outside donor and acceptor splice regions where splicing prediction algorithms do not support significant splicing alteration (spliceAI score <=0.1) (BP4, BP7). This variant is absent from gnomAD v4 (PM2_Supporting).

RettBASE
Classification: Uncertain significance for Atypical Rett syndrome. Last evaluated: 2014-05-15. Review status: no assertion criteria provided. Collection method: curation. Allele origin: unknown. Affected: yes. Observed: 1 variant allele. Not counted in ClinVar's aggregate classification.
Comment: Potential splicing changes? Not tested